The following is an entry in ClinVar:

NC_000002.12:g.(?_71480873)_(71481980_?)del

Gene: DYSF (dysferlin; plus strand). Cytogenetic location: 2p13.2.
Variant type: Deletion.
Identifiers: ClinVar variation 659607 (VCV000659607.2).

ClinVar aggregate classification (germline): Pathogenic (1 of 4 stars; one submission).

Conditions:
Neuromuscular disease caused by qualitative or quantitative defects of dysferlin. Also called: Qualitative or quantitative defects of dysferlin; Dysferlinopathy. Identifiers: Orphanet 207073, MedGen C2931687, MONDO:0016145.

Submission:

Labcorp Genetics (formerly Invitae), Labcorp
Classification: Pathogenic for Dysferlinopathy. Last evaluated: 2019-08-01. Review status: criteria provided, single submitter. Criteria: Invitae Variant Classification Sherloc (09022015). Collection method: clinical testing. Allele origin: germline.
Comment: This variant is an out-of-frame deletion of the genomic region encompassing exons 2-3 of the DYSF gene. This is expected to create a premature translational stop signal and result in an absent or disrupted protein product. This variant has not been reported in the literature in individuals with DYSF-related disease. Loss-of-function variants in DYSF are known to be pathogenic (PMID: 17698709, 20301480). For these reasons, this variant has been classified as Pathogenic.